The following is an entry in ClinVar:

ClinVar aggregate classification (germline): Likely benign. Review status: criteria provided, multiple submitters, no conflicts (2 of 4 stars). 2 submissions from 2 submitters: Likely benign (2). Last evaluated 2023-08-17.

Conditions:
Neuronal ceroid lipofuscinosis. Also called: Neuronal Ceroid Lipofuscinoses. Identifiers: Orphanet 216, Orphanet 79263, MedGen C0027877, MONDO:0016295. Disease mechanism: loss of function.

Allele frequency attached by ClinVar (database versions not stated): gnomAD 0.00001; gnomAD exomes 0.00001.
gnomAD v4.1: 3 of 1,612,804 alleles (0.00019%); highest among the groups gnomAD compares: Admixed American, 0.0033%; no homozygotes.

Submissions (2):

Labcorp Genetics (formerly Invitae), Labcorp
Classification: Likely benign for Neuronal ceroid lipofuscinosis. Last evaluated: 2023-08-17. Review status: criteria provided, single submitter. Criteria: Invitae Variant Classification Sherloc (09022015). Collection method: clinical testing. Allele origin: germline.

GeneDx
Classification: Likely benign. Last evaluated: 2018-04-06. Review status: criteria provided, single submitter. Criteria: GeneDx Variant Classification (06012015). Collection method: clinical testing. Allele origin: germline. Affected: yes.
Comment: This variant is considered likely benign or benign based on one or more of the following criteria: it is a conservative change, it occurs at a poorly conserved position in the protein, it is predicted to be benign by multiple in silico algorithms, and/or has population frequency not consistent with disease.

NM_001909.5(CTSD):c.973-14G>A

Gene: CTSD (cathepsin D; minus strand). Cytogenetic location: 11p15.5.
Variant type: single nucleotide variant.
Coding change: c.973-14G>A on transcript NM_001909.5 (MANE Select); 14 bases into the intron before coding-DNA position 973, G replaced by A.
Molecular consequence: intron variant.
Genome position (GRCh38, 1-based): chr11:1,753,915, C>T on the plus strand (G>A on the coding strand, the complement: CTSD is on the minus strand). VCF-style: chr11-1753915-C-T. GRCh37 (hg19) VCF-style: chr11-1775145-C-T.
Identifiers: ClinVar variation 668392 (VCV000668392.4), dbSNP rs1354741089, ClinGen allele CA597430609.